The following is an entry in ClinVar:

NM_001103.4(ACTN2):c.877-6G>A

Gene: ACTN2 (actinin alpha 2; plus strand). Cytogenetic location: 1q43.
Variant type: single nucleotide variant.
Coding change: c.877-6G>A on transcript NM_001103.4 (MANE Select); 6 bases into the intron before coding-DNA position 877, G replaced by A.
Molecular consequence: intron variant.
Genome position (GRCh38, 1-based): chr1:236,739,296, G>A. VCF-style: chr1-236739296-G-A. GRCh37 (hg19) VCF-style: chr1-236902596-G-A.
Other names: c.253-6G>A (NM_001278344.2); c.877-6G>A (NM_001278343.2).
Identifiers: ClinVar variation 43949 (VCV000043949.29), dbSNP rs397516585, ClinGen allele CA133222.

ClinVar aggregate classification (germline): Benign/Likely benign. Review status: criteria provided, multiple submitters, no conflicts (2 of 4 stars). 10 submissions from 10 submitters: Benign (4); Likely benign (4). 2 of the submissions do not count toward it. Last evaluated 2026-01-18.

Conditions:
Dilated cardiomyopathy 1AA (CMD1AA). Also called: Cardiomyopathy, dilated, 1AA, with or without LVNC; CARDIOMYOPATHY, DILATED, 1AA, WITH OR WITHOUT LEFT VENTRICULAR NONCOMPACTION; CARDIOMYOPATHY, FAMILIAL HYPERTROPHIC, 23, WITH OR WITHOUT LEFT VENTRICULAR NONCOMPACTION. Identifiers: Orphanet 154, MedGen C2677338, MONDO:0012808, OMIM 612158.
Myopathy, congenital, with structured cores and z-line abnormalities. Also called: MULTIPLE STRUCTURED CORE DISEASE; CONGENITAL MYOPATHY 8. Identifiers: MedGen C5231445, MONDO:0032852, OMIM 618654.
Myopathy, distal, 6, adult-onset, autosomal dominant. Identifiers: MedGen C5203349, MONDO:0032853, OMIM 618655.
ACTN2-related disorder. Also called: ACTN2 related condition; ACTN2-related disorders.
Primary familial hypertrophic cardiomyopathy (HCM). Identifiers: Orphanet 99739, MedGen C0949658, MeSH D024741, MONDO:0024573. Inheritance: Various modes of inheritance.

Allele frequency attached by ClinVar (database versions not stated): 1000 Genomes Project 0.00040; 1000 Genomes Project 30x 0.00062; gnomAD 0.00062 and 0.00068; TOPMed 0.00066; gnomAD exomes 0.00006 and 0.00019; ExAC 0.00023.

Submissions (10):

Labcorp Genetics (formerly Invitae), Labcorp
Classification: Benign for Primary familial hypertrophic cardiomyopathy; Dilated cardiomyopathy 1AA. Last evaluated: 2026-01-18. Review status: criteria provided, single submitter. Criteria: Invitae Variant Classification Sherloc (09022015). Collection method: clinical testing. Allele origin: germline.

PreventionGenetics, part of Exact Sciences
Classification: Likely benign for ACTN2-related condition. Last evaluated: 2025-12-10. Review status: criteria provided, single submitter. Criteria: ACMG Guidelines, 2015. Collection method: clinical testing. Allele origin: germline.
Comment: This variant is classified as likely benign based on ACMG/AMP sequence variant interpretation guidelines (Richards et al. 2015 PMID: 25741868, with internal and published modifications).

Women's Health and Genetics/Laboratory Corporation of America, LabCorp
Classification: Benign. Last evaluated: 2025-07-28. Review status: criteria provided, single submitter. Criteria: LabCorp Variant Classification Summary - May 2015. Collection method: clinical testing. Allele origin: germline.

Molecular Diagnostic Laboratory for Inherited Cardiovascular Disease, Montreal Heart Institute
Classification: Likely benign. Last evaluated: 2025-04-09. Review status: criteria provided, single submitter. Criteria: ACMG Guidelines, 2015. Collection method: clinical testing. Allele origin: germline. Affected: no.

Fulgent Genetics
Classification: Likely benign for Dilated cardiomyopathy 1AA; Myopathy, congenital, with structured cores and z-line abnormalities; Myopathy, distal, 6, adult-onset, autosomal dominant. Last evaluated: 2021-08-24. Review status: criteria provided, single submitter. Criteria: ACMG Guidelines, 2015. Collection method: clinical testing. Allele origin: unknown.

ARUP Laboratories, Molecular Genetics and Genomics, ARUP Laboratories
Classification: Benign. Last evaluated: 2021-05-22. Review status: criteria provided, single submitter. Criteria: ARUP Molecular Germline Variant Investigation Process 2021. Collection method: clinical testing. Allele origin: germline.

Laboratory for Molecular Medicine, Mass General Brigham Personalized Medicine
Classification: Benign. Last evaluated: 2018-04-23. Review status: criteria provided, single submitter. Criteria: LMM Criteria. Collection method: clinical testing. Allele origin: germline. Observed: 4 variant alleles.
Comment: proposed classification - variant undergoing re-assessment, contact laboratory

GeneDx
Classification: Likely benign. Last evaluated: 2017-10-11. Review status: criteria provided, single submitter. Criteria: GeneDx Variant Classification (06012015). Collection method: clinical testing. Allele origin: germline. Affected: yes.
Comment: This variant is considered likely benign or benign based on one or more of the following criteria: it is a conservative change, it occurs at a poorly conserved position in the protein, it is predicted to be benign by multiple in silico algorithms, and/or has population frequency not consistent with disease.

Clinical Genetics DNA and cytogenetics Diagnostics Lab, Erasmus MC, Erasmus Medical Center
Classification: Likely benign. Review status: no assertion criteria provided. Collection method: clinical testing. Allele origin: germline. Affected: yes. Study: VKGL Data-share Consensus. Not counted in ClinVar's aggregate classification.

Clinical Genetics, Academic Medical Center
Classification: Likely benign. Review status: no assertion criteria provided. Collection method: clinical testing. Allele origin: germline. Affected: yes. Study: VKGL Data-share Consensus. Not counted in ClinVar's aggregate classification.